The following is an entry in ClinVar:

ClinVar aggregate classification (germline): Pathogenic. Review status: criteria provided, multiple submitters, no conflicts (2 of 4 stars). 3 submissions from 3 submitters: Pathogenic (2). 1 of the submissions does not count toward it. Last evaluated 2022-10-28.

Conditions:
IMAGe syndrome. Also called: Intrauterine growth retardation, metaphyseal dysplasia, adrenal hypoplasia congenita, and genital anomalies; Intrauterine Growth Restriction, Metaphyseal Dysplasia, Adrenal Hypoplasia Congenita, and Genital Anomalies. Identifiers: Orphanet 85173, MedGen C1846009, MONDO:0013873, OMIM 614732.
Inborn genetic diseases. Identifiers: MedGen C0950123, MeSH D030342.
Beckwith-Wiedemann syndrome (BWS). Also called: EMG SYNDROME; Exomphalos macroglossia gigantism syndrome. Identifiers: Orphanet 116, MedGen C0004903, MONDO:0007534, OMIM 130650.

Submissions (3):

Ambry Genetics
Classification: Pathogenic for Inborn genetic diseases. Last evaluated: 2022-10-28. Review status: criteria provided, single submitter. Criteria: Ambry Variant Classification Scheme 2023. Collection method: clinical testing. Allele origin: germline.
Comment: The c.820G>A (p.D274N) alteration is located in exon 1 (coding exon 1) of the CDKN1C gene. This alteration results from a G to A substitution at nucleotide position 820, causing the aspartic acid (D) at amino acid position 274 to be replaced by an asparagine (N)._x000D_ _x000D_ Based on the available evidence, the CDKN1C c.820G>A (p.D274N) alteration is classified as pathogenic for IMAGE syndrome; however, this variant is unlikely to be causative of Beckwith-Wiedemann syndrome. This variant was not reported in population-based cohorts in the Genome Aggregation Database (gnomAD). This alteration has been observed in multiple unrelated individuals with IMAGE syndrome and has been reported as de novo and maternally inherited (Arboleda, 2012; Kato, 2014; Amano, 2017; Homma, 2019; Bolomiti, 2021). This amino acid position is well conserved in available vertebrate species with limited sequence alignment. This missense alteration is located in a region that has a low rate of benign missense variation (Lek, 2016; Firth, 2009). Functional assays modestly suggest that protein stability is increased, but additional evidence is needed to confirm these data (Hamajima, 2013). This alteration is predicted to be tolerated by in silico analysis. Based on the available evidence, this alteration is classified as pathogenic.

Labcorp Genetics (formerly Invitae), Labcorp
Classification: Pathogenic for Beckwith-Wiedemann syndrome. Last evaluated: 2022-06-20. Review status: criteria provided, single submitter. Criteria: Invitae Variant Classification Sherloc (09022015). Collection method: clinical testing. Allele origin: germline.
Comment: Experimental studies have shown that this missense change affects CDKN1C function (PMID: 24098681). For these reasons, this variant has been classified as Pathogenic. Variants that disrupt the consensus splice site are a relatively common cause of aberrant splicing (PMID: 17576681, 9536098). Algorithms developed to predict the effect of sequence changes on RNA splicing suggest that this variant may disrupt the consensus splice site. Algorithms developed to predict the effect of missense changes on protein structure and function are either unavailable or do not agree on the potential impact of this missense change (SIFT: "Deleterious"; PolyPhen-2: "Not Available"; Align-GVGD: "Class C0"). ClinVar contains an entry for this variant (Variation ID: 35531). This missense change has been observed in individual(s) with IMAGe syndrome (PMID: 22634751, 24313804). In at least one individual the variant was observed to be de novo. This variant is not present in population databases (gnomAD no frequency). This sequence change replaces aspartic acid, which is acidic and polar, with asparagine, which is neutral and polar, at codon 274 of the CDKN1C protein (p.Asp274Asn). This variant also falls at the last nucleotide of exon 1, which is part of the consensus splice site for this exon.

OMIM
Classification: Pathogenic for INTRAUTERINE GROWTH RETARDATION, METAPHYSEAL DYSPLASIA, ADRENAL HYPOPLASIA CONGENITA, AND GENITAL ANOMALIES. Last evaluated: 2012-05-27. Review status: no assertion criteria provided. Collection method: literature only. Allele origin: germline. Not counted in ClinVar's aggregate classification.

Literature cited by the submitters: PubMed 22634751 (cited by 3 submitters); PubMed 24098681 (cited by Ambry Genetics and Labcorp Genetics (formerly Invitae), Labcorp); PubMed 24313804 (cited by Ambry Genetics and Labcorp Genetics (formerly Invitae), Labcorp); PubMed 28546232 (cited by Ambry Genetics); PubMed 31630891 (cited by Ambry Genetics); PubMed 34098225 (cited by Ambry Genetics); PubMed 17576681 (cited by Labcorp Genetics (formerly Invitae), Labcorp); PubMed 9536098 (cited by Labcorp Genetics (formerly Invitae), Labcorp).

NM_001122630.2(CDKN1C):c.787G>A (p.Asp263Asn)

Gene: CDKN1C (cyclin dependent kinase inhibitor 1C; minus strand). Cytogenetic location: 11p15.4.
Variant type: single nucleotide variant.
Coding change: c.787G>A on transcript NM_001122630.2 (MANE Select); coding-DNA position 787, G replaced by A.
Protein change: p.Asp263Asn; replaces aspartic acid 263 with asparagine.
Molecular consequence: missense variant. On other transcripts: intron variant (1).
Genome position (GRCh38, 1-based): chr11:2,884,670, C>T on the plus strand (G>A on the coding strand, the complement: CDKN1C is on the minus strand). VCF-style: chr11-2884670-C-T. GRCh37 (hg19) VCF-style: chr11-2905900-C-T.
Other names: c.820G>A, p.Asp274Asn (LRG_533t1, NM_000076.2, NM_001362474.2); c.787G>A, p.Asp263Asn (NM_001122631.2); c.255+532G>A (NM_001362475.2); short protein forms D274N, D263N.
Identifiers: ClinVar variation 35531 (VCV000035531.11), dbSNP rs387907225, ClinGen allele CA260081.